The following is an entry in ClinVar:

ClinVar aggregate classification (germline): Likely benign (1 of 4 stars; one submission).

Submission:

CeGaT Center for Human Genetics Tuebingen
Classification: Likely benign. Last evaluated: 2026-07-01. Review status: criteria provided, single submitter. Criteria: CeGaT Center For Human Genetics Tuebingen Variant Classification Criteria Version 2. Collection method: clinical testing. Allele origin: germline. Affected: yes. Observed: 1 variant allele.
Comment: FUZ: BP4

NM_025129.5(FUZ):c.316A>G (p.Met106Val)

Gene: FUZ (fuzzy planar cell polarity protein; minus strand). Cytogenetic location: 19q13.33.
Variant type: single nucleotide variant.
Coding change: c.316A>G on transcript NM_025129.5 (MANE Select); coding-DNA position 316, A replaced by G.
Protein change: p.Met106Val; replaces methionine 106 with valine.
Molecular consequence: missense variant. On other transcripts: intron variant (1).
Genome position (GRCh38, 1-based): chr19:49,812,253, T>C on the plus strand (A>G on the coding strand, the complement: FUZ is on the minus strand). VCF-style: chr19-49812253-T-C. GRCh37 (hg19) VCF-style: chr19-50315510-T-C.
Other names: c.316A>G, p.Met106Val (NM_001352262.2); c.166A>G, p.Met56Val (NM_001363663.1); c.210+385A>G (NM_001171937.2); short protein forms M106V, M56V.
Identifiers: ClinVar variation 5039757 (VCV005039757.1).